The following is an entry in ClinVar:

ClinVar aggregate classification (germline): Uncertain significance (1 of 4 stars; one submission).

Submission:

GeneDx
Classification: Uncertain significance. Last evaluated: 2023-08-03. Review status: criteria provided, single submitter. Criteria: GeneDx Variant Classification Process June 2021. Collection method: clinical testing. Allele origin: germline. Affected: yes.
Comment: Not observed at significant frequency in large population cohorts (gnomAD); In silico analysis supports that this missense variant has a deleterious effect on protein structure/function; Has not been previously published as pathogenic or benign to our knowledge

NM_020791.4(TAOK1):c.628T>C (p.Ser210Pro)

Gene: TAOK1 (TAO kinase 1; plus strand). Cytogenetic location: 17q11.2.
Variant type: single nucleotide variant.
Coding change: c.628T>C on transcript NM_020791.4 (MANE Select); coding-DNA position 628, T replaced by C.
Protein change: p.Ser210Pro; replaces serine 210 with proline.
Molecular consequence: missense variant.
Genome position (GRCh38, 1-based): chr17:29,482,261, T>C. VCF-style: chr17-29482261-T-C. GRCh37 (hg19) VCF-style: chr17-27809279-T-C.
Other names: c.628T>C, p.Ser210Pro (NM_025142.1); short protein forms S210P.
Identifiers: ClinVar variation 3361849 (VCV003361849.1).